The following is an entry in ClinVar:

ClinVar aggregate classification (germline): Uncertain significance (1 of 4 stars; one submission).

Conditions:
Primary dilated cardiomyopathy (DCM). Also called: Dilated Cardiomyopathy. Identifiers: Orphanet 217604, MedGen C0007193, MeSH D002311, MONDO:0005021, HP:0001644. Inheritance: Various modes of inheritance.

gnomAD v4.1: 1 of 1,581,604 alleles (0.000063%); highest among the groups gnomAD compares: Admixed American, 0.0017%; no homozygotes.

Submission:

Labcorp Genetics (formerly Invitae), Labcorp
Classification: Uncertain significance for Primary dilated cardiomyopathy. Last evaluated: 2025-06-03. Review status: criteria provided, single submitter. Criteria: Invitae Variant Classification Sherloc (09022015). Collection method: clinical testing. Allele origin: germline.
Comment: This sequence change replaces methionine, which is neutral and non-polar, with isoleucine, which is neutral and non-polar, at codon 239 of the NEBL protein (p.Met239Ile). This variant is present in population databases (rs770140831, gnomAD 0.003%). This variant has not been reported in the literature in individuals affected with NEBL-related conditions. An algorithm developed to predict the effect of missense changes on protein structure and function (PolyPhen-2) suggests that this variant is likely to be tolerated. In summary, the available evidence is currently insufficient to determine the role of this variant in disease. Therefore, it has been classified as a Variant of Uncertain Significance.

NM_006393.3(NEBL):c.717G>A (p.Met239Ile)

Gene: NEBL (nebulette; minus strand). Cytogenetic location: 10p12.31.
Variant type: single nucleotide variant.
Coding change: c.717G>A on transcript NM_006393.3 (MANE Select); coding-DNA position 717, G replaced by A.
Protein change: p.Met239Ile; replaces methionine 239 with isoleucine.
Molecular consequence: missense variant. On other transcripts: intron variant (9).
Genome position (GRCh38, 1-based): chr10:20,859,794, C>T on the plus strand (G>A on the coding strand, the complement: NEBL is on the minus strand). VCF-style: chr10-20859794-C-T. GRCh37 (hg19) VCF-style: chr10-21148723-C-T.
Other names: c.250-46854G>A (NM_001377326.1, NM_001377327.1, NM_001377328.1); c.358-46854G>A (NM_213569.2, NM_001173484.2, NM_001377322.1); c.301-46854G>A (NM_001377324.1); c.292-46854G>A (NM_001377325.1); c.310-46854G>A (NM_001377323.1); short protein forms M239I.
Identifiers: ClinVar variation 4720680 (VCV004720680.1).